The following is an entry in ClinVar:

ClinVar aggregate classification (germline): Uncertain significance (1 of 4 stars; one submission).

Allele frequency attached by ClinVar (database versions not stated): gnomAD exomes below 0.00001; TOPMed below 0.00001.
gnomAD v4.1: 1 of 1,514,772 alleles (0.000066%); highest among the groups gnomAD compares: Non-Finnish European, 0.000091%; no homozygotes.

Submission:

Labcorp Genetics (formerly Invitae), Labcorp
Classification: Uncertain significance. Last evaluated: 2022-10-17. Review status: criteria provided, single submitter. Criteria: Invitae Variant Classification Sherloc (09022015). Collection method: clinical testing. Allele origin: germline.
Comment: This variant has not been reported in the literature in individuals affected with IFT88-related conditions. In summary, the available evidence is currently insufficient to determine the role of this variant in disease. Therefore, it has been classified as a Variant of Uncertain Significance. Algorithms developed to predict the effect of sequence changes on RNA splicing suggest that this variant may disrupt the consensus splice site. This variant is not present in population databases (gnomAD no frequency). This sequence change falls in intron 10 of the IFT88 gene. It does not directly change the encoded amino acid sequence of the IFT88 protein.

NM_006531.5(IFT88):c.490-12A>G

Gene: IFT88 (intraflagellar transport 88; plus strand). Cytogenetic location: 13q12.11.
Variant type: single nucleotide variant.
Coding change: c.490-12A>G on transcript NM_006531.5 (MANE Select); 12 bases into the intron before coding-DNA position 490, A replaced by G.
Molecular consequence: intron variant.
Genome position (GRCh38, 1-based): chr13:20,597,003, A>G. VCF-style: chr13-20597003-A-G. GRCh37 (hg19) VCF-style: chr13-21171142-A-G.
Other names: c.517-12A>G (NM_001318493.2, NM_175605.5, NM_001353570.2 and 6 more transcripts); c.490-12A>G (NM_001353568.2, NM_001353572.2, NM_001353571.2 and 1 more transcripts); c.-144-12A>G (NM_001353579.2); c.433-12A>G (NM_001353575.2, NM_001318491.2, NM_001353573.2 and 1 more transcripts).
Identifiers: ClinVar variation 1898983 (VCV001898983.5), dbSNP rs974890357, ClinGen allele CA246520689.